The following is an entry in ClinVar:

NM_000141.5(FGFR2):c.1774C>T (p.Arg592Cys)

Gene: FGFR2 (fibroblast growth factor receptor 2; minus strand). Cytogenetic location: 10q26.13.
Variant type: single nucleotide variant.
Coding change: c.1774C>T on transcript NM_000141.5 (MANE Select); coding-DNA position 1774, C replaced by T.
Protein change: p.Arg592Cys; replaces arginine 592 with cysteine.
Molecular consequence: missense variant. On other transcripts: non-coding transcript variant (1).
Genome position (GRCh38, 1-based): chr10:121,496,621, G>A on the plus strand (C>T on the coding strand, the complement: FGFR2 is on the minus strand). VCF-style: chr10-121496621-G-A. GRCh37 (hg19) VCF-style: chr10-123256135-G-A.
Other names: c.1777C>T, p.Arg593Cys (NM_001144913.1, NM_022970.4); c.1438C>T, p.Arg480Cys (NM_001144914.1); c.1507C>T, p.Arg503Cys (NM_001144915.2, NM_023029.3); c.1429C>T, p.Arg477Cys (NM_001144916.2); c.1426C>T, p.Arg476Cys (NM_001144917.2); c.1423C>T, p.Arg475Cys (NM_001144918.2); c.1510C>T, p.Arg504Cys (NM_001144919.2); c.1090C>T, p.Arg364Cys (NM_001320654.2); and 1 more; short protein forms R592C, R593C, R475C, R504C, R590C, R477C, R364C, R480C.
Identifiers: ClinVar variation 298998 (VCV000298998.12), dbSNP rs141929882, ClinGen allele CA5720652.

ClinVar aggregate classification (germline): Conflicting classifications of pathogenicity. Review status: criteria provided, conflicting classifications (1 of 4 stars). 8 submissions from 4 submitters: Uncertain significance (1); Likely benign (7). Last evaluated 2025-08-18.

Conditions:
FGFR2-related craniosynostosis. Identifiers: MedGen CN231480.
Saethre-Chotzen syndrome (SCS). Also called: ACROCEPHALY, SKULL ASYMMETRY, AND MILD SYNDACTYLY; ACS III; CHOTZEN SYNDROME. Identifiers: Orphanet 794, MedGen C0175699, MONDO:0007042, OMIM 101400.
Familial scaphocephaly syndrome, McGillivray type. Also called: SCAPHOCEPHALY, MAXILLARY RETRUSION, AND IMPAIRED INTELLECTUAL DEVELOPMENT. Identifiers: Orphanet 168624, MedGen C1865070, MONDO:0012307, OMIM 609579.
Acrocephalosyndactyly type I (ACS1). Also called: Apert syndrome; Acrocephalo-syndactyly type 1; ACS 1; Syndactylic oxycephaly. Identifiers: Orphanet 87, MedGen C0001193, MONDO:0007041, OMIM 101200.
Crouzon syndrome. Also called: CRANIOFACIAL DYSOSTOSIS, TYPE I; Craniofacial dysostosis; Craniofacial dysostosis type 1; Crouzon craniofacial dysostosis; Crouzon disease. Identifiers: Orphanet 207, MedGen C0010273, MeSH D003394, MONDO:0007405, OMIM 123500, HP:0004439.
LADD syndrome 1 (LADD1). Also called: Lacrimoauriculodentodigital syndrome 1. Identifiers: MedGen C5774323, MONDO:0100302, OMIM 149730.
Gastric cancer. Also called: Stomach cancer; Malignant tumor of stomach. Identifiers: MedGen C0024623, MeSH D013274, MONDO:0001056, OMIM 613659, HP:0012126.
Beare-Stevenson cutis gyrata syndrome (BSTVS). Identifiers: Orphanet 1555, MedGen C1852406, MONDO:0007412, OMIM 123790.
Bent bone dysplasia syndrome 1 (BBDS1). Also called: FGFR2-related bent bone dysplasia. Identifiers: Orphanet 313855, MedGen C3281247, MONDO:0013815, OMIM 614592.
Pfeiffer syndrome (ACS5). Also called: ACS V. Identifiers: Orphanet 710, MedGen C0220658, MONDO:0007043, OMIM 101600.
Antley-Bixler syndrome without genital anomalies or disordered steroidogenesis (ABS2). Also called: Trapezoidocephaly synostosis syndrome; Osteodysgenesis, multisynostotic with fractures; MULTISYNOSTOTIC OSTEODYSGENESIS WITH LONG BONE FRACTURES; Antley-Bixler Syndrome, Autosomal Dominant. Identifiers: Orphanet 596008, Orphanet 83, MedGen C2936791, MONDO:0020667, OMIM 207410.
Jackson-Weiss syndrome (JWS). Also called: CRANIOSYNOSTOSIS, MIDFACIAL HYPOPLASIA, AND FOOT ABNORMALITIES. Identifiers: Orphanet 1540, MedGen C0795998, MONDO:0007400, OMIM 123150. Disease mechanism: loss of function.
Craniosynostosis syndrome. Also called: Craniosynostosis. Identifiers: Orphanet 1531, MedGen C0010278, MeSH D003398, MONDO:0015469, HP:0001363.
Isolated Coronal Synostosis. Identifiers: MedGen CN043619.

Allele frequency attached by ClinVar (database versions not stated): TOPMed 0.00010; gnomAD 0.00012 and 0.00015; gnomAD exomes 0.00012; ExAC 0.00013; ESP Exome Variant Server 0.00023; 1000 Genomes Project 0.00040; 1000 Genomes Project 30x 0.00047.
gnomAD v4.1: 287 of 1,613,198 alleles (0.018%); highest among the groups gnomAD compares: Admixed American, 0.027%; no homozygotes.

Submissions (8):

Labcorp Genetics (formerly Invitae), Labcorp
Classification: Uncertain significance for FGFR2-related craniosynostosis. Last evaluated: 2025-08-18. Review status: criteria provided, single submitter. Criteria: Invitae Variant Classification Sherloc (09022015). Collection method: clinical testing. Allele origin: germline.
Comment: This sequence change replaces arginine, which is basic and polar, with cysteine, which is neutral and slightly polar, at codon 592 of the FGFR2 protein (p.Arg592Cys). The frequency data for this variant in the population databases is considered unreliable, as metrics indicate poor data quality at this position in the gnomAD database. This variant has not been reported in the literature in individuals affected with FGFR2-related conditions. ClinVar contains an entry for this variant (Variation ID: 298998). Invitae Evidence Modeling of protein sequence and biophysical properties (such as structural, functional, and spatial information, amino acid conservation, physicochemical variation, residue mobility, and thermodynamic stability) indicates that this missense variant is not expected to disrupt FGFR2 protein function with a negative predictive value of 80%. In summary, the available evidence is currently insufficient to determine the role of this variant in disease. Therefore, it has been classified as a Variant of Uncertain Significance.

Blueprint Genetics
Classification: Likely benign. Last evaluated: 2024-11-01. Review status: criteria provided, single submitter. Criteria: ACMG Guidelines, 2015. Collection method: clinical testing. Allele origin: germline.

Fulgent Genetics
Classification: Likely benign for Acrocephalosyndactyly type I; Saethre-Chotzen syndrome; Pfeiffer syndrome; Jackson-Weiss syndrome; Crouzon syndrome; Beare-Stevenson cutis gyrata syndrome; LADD syndrome 1; Antley-Bixler syndrome without genital anomalies or disordered steroidogenesis; Familial scaphocephaly syndrome, McGillivray type; Gastric cancer; Bent bone dysplasia syndrome 1. Last evaluated: 2024-01-24. Review status: criteria provided, single submitter. Criteria: ACMG Guidelines, 2015. Collection method: clinical testing. Allele origin: germline.

Illumina Laboratory Services, Illumina
Classification: Likely benign for Saethre-Chotzen syndrome. Last evaluated: 2017-04-28. Review status: criteria provided, single submitter. Criteria: ICSL Variant Classification Criteria 13 December 2019. Collection method: clinical testing. Allele origin: germline.
Comment: This variant was observed as part of a predisposition screen in an ostensibly healthy population. A literature search was performed for the gene, cDNA change, and amino acid change (where applicable). No publications were found based on this search. Allele frequency data from public databases allowed determination this variant is unlikely to cause disease. Therefore, this variant is classified as likely benign.

Illumina Laboratory Services, Illumina
Classification: Likely benign for Beare-Stevenson cutis gyrata syndrome. Last evaluated: 2017-04-28. Review status: criteria provided, single submitter. Criteria: ICSL Variant Classification Criteria 13 December 2019. Collection method: clinical testing. Allele origin: germline.
Comment: the same text as in the submission from Illumina Laboratory Services, Illumina above.

Illumina Laboratory Services, Illumina
Classification: Likely benign for Craniosynostosis. Last evaluated: 2017-04-28. Review status: criteria provided, single submitter. Criteria: ICSL Variant Classification Criteria 13 December 2019. Collection method: clinical testing. Allele origin: germline.
Comment: the same text as in the submission from Illumina Laboratory Services, Illumina above.

Illumina Laboratory Services, Illumina
Classification: Likely benign for Isolated coronal synostosis. Last evaluated: 2017-04-28. Review status: criteria provided, single submitter. Criteria: ICSL Variant Classification Criteria 13 December 2019. Collection method: clinical testing. Allele origin: germline.
Comment: the same text as in the submission from Illumina Laboratory Services, Illumina above.

Illumina Laboratory Services, Illumina
Classification: Likely benign for Crouzon syndrome. Last evaluated: 2017-04-28. Review status: criteria provided, single submitter. Criteria: ICSL Variant Classification Criteria 13 December 2019. Collection method: clinical testing. Allele origin: germline.
Comment: the same text as in the submission from Illumina Laboratory Services, Illumina above.